The following is an entry in ClinVar:

NM_007294.4(BRCA1):c.1880T>A (p.Val627Asp)

Gene: BRCA1 (BRCA1 DNA repair associated; minus strand). Cytogenetic location: 17q21.31.
Variant type: single nucleotide variant.
Coding change: c.1880T>A on transcript NM_007294.4 (MANE Select); coding-DNA position 1880, T replaced by A.
Protein change: p.Val627Asp; replaces valine 627 with aspartic acid.
Molecular consequence: missense variant. On other transcripts: intron variant (137).
Genome position (GRCh38, 1-based): chr17:43,093,651, A>T on the plus strand (T>A on the coding strand, the complement: BRCA1 is on the minus strand). VCF-style: chr17-43093651-A-T. GRCh37 (hg19) VCF-style: chr17-41245668-A-T.
Other names: c.1667T>A, p.Val556Asp (NM_001407571.1, NM_001407853.1, NM_001407894.1 and 9 more transcripts); c.1880T>A, p.Val627Asp (NM_001407581.1, NM_001407582.1, NM_001407583.1 and 30 more transcripts); c.1877T>A, p.Val626Asp (NM_001407587.1, NM_001407590.1, NM_001407591.1 and 22 more transcripts); c.1871T>A, p.Val624Asp (NM_001407646.1, NM_001407647.1); c.1757T>A, p.Val586Asp (NM_001407648.1, NM_001407664.1, NM_001407665.1 and 19 more transcripts); c.1754T>A, p.Val585Asp (NM_001407649.1, NM_001407670.1, NM_001407671.1 and 11 more transcripts); c.1802T>A, p.Val601Asp (NM_001407653.1, NM_001407654.1, NM_001407655.1 and 4 more transcripts); c.586+1093T>A (NM_001408476.1, NM_001408474.1); and 40 more; short protein forms V627D, V580D, V500D, V559D, V600D, V601D, V585D, V586D.
Identifiers: ClinVar variation 633097 (VCV000633097.6), dbSNP rs770002293, ClinGen allele CA10598261.
Genomic context (GRCh38, chr17:43,093,651, plus strand): 5'-CTGCTAGAACAACTATCAATTTGCAATTCAGTACAATTAGGTGGGCTTAGATTTCTACTG[A>T]CTACTAGTTCAAGCGCATGAATATGCCTGGTAGAAGACTTCCTCCTCAGCCTATTCTTTT-3'
Protein context (NP_009225.1, residues 617-637): TRHIHALELV[Val627Asp]SRNLSPPNCT

ClinVar aggregate classification (germline): Conflicting classifications of pathogenicity. Review status: criteria provided, conflicting classifications (1 of 4 stars). 2 submissions from 2 submitters: Uncertain significance (1); Likely benign (1). Last evaluated 2023-03-23.

Conditions:
Hereditary cancer-predisposing syndrome. Also called: Tumor predisposition; Neoplastic Syndromes, Hereditary; Hereditary neoplastic syndrome; Hereditary Cancer Syndrome. Identifiers: Orphanet 140162, MedGen C0027672, MeSH D009386, MONDO:0015356.

Submissions (2):

University of Washington Department of Laboratory Medicine, University of Washington
Classification: Likely benign for Hereditary cancer-predisposing syndrome. Last evaluated: 2023-03-23. Review status: criteria provided, single submitter. Criteria: Dines et al. (Genet Med. 2020). Collection method: curation. Allele origin: germline.
Comment: Missense variant in a coldspot region where missense variants are very unlikely to be pathogenic (PMID:31911673).

BRCA1 coldspot (exon 11 using historical exon numbering). Reclassification based on statistical prior probability

Women's Health and Genetics/Laboratory Corporation of America, LabCorp
Classification: Uncertain significance. Last evaluated: 2021-01-11. Review status: criteria provided, single submitter. Criteria: LabCorp Variant Classification Summary - May 2015. Collection method: clinical testing. Allele origin: germline.
Comment: Variant summary: BRCA1 c.1880T>A (p.Val627Asp) results in a non-conservative amino acid change in the encoded protein sequence. Four of five in-silico tools predict a damaging effect of the variant on protein function. The variant was absent in 251196 control chromosomes. The available data on variant occurrences in the general population are insufficient to allow any conclusion about variant significance. To our knowledge, no occurrence of c.1880T>A in individuals affected with Hereditary Breast And Ovarian Cancer Syndrome and no experimental evidence demonstrating its impact on protein function have been reported. No clinical diagnostic laboratories have submitted clinical-significance assessments for this variant to ClinVar after 2014. Based on the evidence outlined above, the variant was classified as uncertain significance.